The following is an entry in ClinVar:

NM_175875.5(SIX5):c.2134G>C (p.Gly712Arg)

Gene: SIX5 (SIX homeobox 5; minus strand). Cytogenetic location: 19q13.32.
Variant type: single nucleotide variant.
Coding change: c.2134G>C on transcript NM_175875.5 (MANE Select); coding-DNA position 2134, G replaced by C.
Protein change: p.Gly712Arg; replaces glycine 712 with arginine.
Molecular consequence: missense variant.
Genome position (GRCh38, 1-based): chr19:45,765,587, C>G on the plus strand (G>C on the coding strand, the complement: SIX5 is on the minus strand). VCF-style: chr19-45765587-C-G. GRCh37 (hg19) VCF-style: chr19-46268845-C-G.
Other names: short protein forms G712R.
Identifiers: ClinVar variation 3728170 (VCV003728170.2).
Genomic context (GRCh38, chr19:45,765,587, plus strand): 5'-GCACCGACTGGAGCTGGGTCAGAACCTTGGCCTCAGCTTCCAACCCCTCGTCAACCTCAC[C>G]CCCTGCGGTGGCCCCCAGGAGCAGCCCCTCAGGGTCGGGGTCTGGCAGCCTCAGCACGGT-3'
Protein context (NP_787071.3, residues 702-722): EGLLLGATAG[Gly712Arg]EVDEGLEAEA

ClinVar aggregate classification (germline): Uncertain significance (1 of 4 stars; one submission).

Submission:

Labcorp Genetics (formerly Invitae), Labcorp
Classification: Uncertain significance. Last evaluated: 2024-12-27. Review status: criteria provided, single submitter. Criteria: Invitae Variant Classification Sherloc (09022015). Collection method: clinical testing. Allele origin: germline.
Comment: This sequence change replaces glycine, which is neutral and non-polar, with arginine, which is basic and polar, at codon 712 of the SIX5 protein (p.Gly712Arg). This variant is not present in population databases (gnomAD no frequency). This variant has not been reported in the literature in individuals affected with SIX5-related conditions. An algorithm developed to predict the effect of missense changes on protein structure and function (PolyPhen-2) suggests that this variant is likely to be tolerated. In summary, the available evidence is currently insufficient to determine the role of this variant in disease. Therefore, it has been classified as a Variant of Uncertain Significance.